The following is an entry in ClinVar:

GRCh38/hg38 18p11.31(chr18:6337490-7089933)x1

Genes: ARHGAP28 (Rho GTPase activating protein 28; plus strand), ARHGAP28-AS1 (ARHGAP28 antisense RNA 1; minus strand), L3MBTL4 (L3MBTL histone methyl-lysine binding protein 4; minus strand), MIR4317 (microRNA 4317; minus strand), LAMA1 (laminin subunit alpha 1; minus strand) and 10 more. Cytogenetic location: 18p11.31.
Variant type: copy number loss.
Change: copy number 1 (one copy instead of two) of chr18:6,337,490-7,089,933 (752.4 kb, GRCh38 coordinates, 1-based), cytogenetic band 18p11.31.
Identifiers: ClinVar variation 4796268 (VCV004796268.1).

ClinVar aggregate classification (germline): Uncertain significance (1 of 4 stars; one submission).

Submission:

Medical Genetic Center, Changzhi Maternal and Child Health Care Hospital
Classification: Uncertain significance. Last evaluated: 2025-12-10. Review status: criteria provided, single submitter. Criteria: ACMG/ClinGen CNV Guidelines, 2019. Collection method: clinical testing. Allele origin: unknown.